The following is an entry in ClinVar:

ClinVar aggregate classification (germline): Pathogenic (1 of 4 stars; one submission).

Conditions:
COG7 congenital disorder of glycosylation (CDG2E). Also called: CDG IIe; CONGENITAL DISORDER OF GLYCOSYLATION, TYPE IIe. Identifiers: Orphanet 79333, MedGen C2931010, MONDO:0012118, OMIM 608779.

Submission:

Medical Genetics Lab, Policlinico S. Orsola.Malpighi
Classification: Pathogenic for COG7 congenital disorder of glycosylation. Last evaluated: 2018-06-29. Review status: criteria provided, single submitter. Criteria: ACMG Guidelines, 2015. Collection method: clinical testing. Allele origin: maternal. Inheritance: Autosomal recessive inheritance. Affected: yes. Observed: 1 variant allele, 1 compound heterozygote.
Comment: Null variant (within Â±2 of canonical splice site) affecting gene COG7, which is a known mechanism of disease. Allele is not found in Broad gnomAD exomes despite of good coverage=90 (greater than 20). Computational verdict is pathogenic because 3 pathogenic predictions from DANN, GERP and MutationTaster (vs no benign predictions).

NM_153603.4(COG7):c.1476-1G>T

Gene: COG7 (component of oligomeric golgi complex 7; minus strand). Cytogenetic location: 16p12.2.
Variant type: single nucleotide variant.
Coding change: c.1476-1G>T on transcript NM_153603.4 (MANE Select); the canonical splice acceptor site of the intron before coding-DNA position 1476, G replaced by T.
Molecular consequence: splice acceptor variant.
Genome position (GRCh38, 1-based): chr16:23,406,263, C>A on the plus strand (G>T on the coding strand, the complement: COG7 is on the minus strand). VCF-style: chr16-23406263-C-A. GRCh37 (hg19) VCF-style: chr16-23417584-C-A.
Identifiers: ClinVar variation 548708 (VCV000548708.2), dbSNP rs1555493029, ClinGen allele CA395118975.